The following is an entry in ClinVar:

ClinVar aggregate classification (germline): Pathogenic (1 of 4 stars; one submission).

Allele frequency attached by ClinVar (database versions not stated): gnomAD exomes below 0.00001.
gnomAD v4.1: 1 of 1,612,358 alleles (0.000062%); highest among the groups gnomAD compares: Admixed American, 0.0017%; no homozygotes.

Submission:

Labcorp Genetics (formerly Invitae), Labcorp
Classification: Pathogenic. Last evaluated: 2024-06-10. Review status: criteria provided, single submitter. Criteria: Invitae Variant Classification Sherloc (09022015). Collection method: clinical testing. Allele origin: germline.
Comment: This sequence change creates a premature translational stop signal (p.Trp324*) in the COQ8A gene. It is expected to result in an absent or disrupted protein product. Loss-of-function variants in COQ8A are known to be pathogenic (PMID: 18319074, 20580948). This variant is present in population databases (no rsID available, gnomAD 0.003%). This variant has not been reported in the literature in individuals affected with COQ8A-related conditions. ClinVar contains an entry for this variant (Variation ID: 1456268). For these reasons, this variant has been classified as Pathogenic.

Literature cited by the submitters: PubMed 18319074; PubMed 20580948.

NM_020247.5(COQ8A):c.972G>A (p.Trp324Ter)

Gene: COQ8A (coenzyme Q8A; plus strand). Cytogenetic location: 1q42.13.
Variant type: single nucleotide variant.
Coding change: c.972G>A on transcript NM_020247.5 (MANE Select); coding-DNA position 972, G replaced by A.
Protein change: p.Trp324Ter; replaces tryptophan 324 with a stop codon.
Molecular consequence: nonsense.
Genome position (GRCh38, 1-based): chr1:226,982,926, G>A. VCF-style: chr1-226982926-G-A. GRCh37 (hg19) VCF-style: chr1-227170627-G-A.
Other names: short protein forms W324*.
Identifiers: ClinVar variation 1456268 (VCV001456268.6), dbSNP rs1350444582, ClinGen allele CA345052758.
Genomic context (GRCh38, chr1:226,982,926, plus strand): 5'-AGAGCCCCTCCCTGGCCCTGCCCTTCAGAAAACTCTCAACAACGACCTGGGCCCCAACTG[G>A]CGGGACAAGTTGGAATACTTCGAGGAGCGGCCCTTCGCCGCCGCATCCATTGGGCAGGTG-3'